The following is an entry in ClinVar:

ClinVar aggregate classification (germline): Uncertain significance (1 of 4 stars; one submission).

Conditions:
Inborn genetic diseases. Identifiers: MedGen C0950123, MeSH D030342.

Submission:

Ambry Genetics
Classification: Uncertain significance for Inborn genetic diseases. Last evaluated: 2026-07-11. Review status: criteria provided, single submitter. Criteria: Ambry Variant Classification Scheme 2023. Collection method: clinical testing. Allele origin: germline.
Comment: The p.Y126H variant (also known as c.376T>C), located in coding exon 2 of the ERCC6L2 gene, results from a T to C substitution at nucleotide position 376. The tyrosine at codon 126 is replaced by histidine, an amino acid with similar properties. This amino acid position is conserved. In addition, this alteration is predicted to be deleterious by in silico analysis. Based on the available evidence, the clinical significance of this variant remains unclear.

NM_020207.7(ERCC6L2):c.376T>C (p.Tyr126His)

Gene: ERCC6L2 (ERCC excision repair 6 like 2; plus strand). Cytogenetic location: 9q22.32.
Variant type: single nucleotide variant.
Coding change: c.376T>C on transcript NM_020207.7 (MANE Select); coding-DNA position 376, T replaced by C.
Protein change: p.Tyr126His; replaces tyrosine 126 with histidine.
Molecular consequence: missense variant. On other transcripts: non-coding transcript variant (1).
Genome position (GRCh38, 1-based): chr9:95,881,198, T>C. VCF-style: chr9-95881198-T-C. GRCh37 (hg19) VCF-style: chr9-98643480-T-C.
Other names: c.376T>C, p.Tyr126His (NM_001010895.4, NM_001375291.1, NM_001375292.1 and 2 more transcripts); short protein forms Y126H.
Identifiers: ClinVar variation 5036077 (VCV005036077.1).